The following is an entry in ClinVar:

NM_000141.5(FGFR2):c.1986+7C>T

Gene: FGFR2 (fibroblast growth factor receptor 2; minus strand). Cytogenetic location: 10q26.13.
Variant type: single nucleotide variant.
Coding change: c.1986+7C>T on transcript NM_000141.5 (MANE Select); 7 bases into the intron after coding-DNA position 1986, C replaced by T.
Molecular consequence: intron variant.
Genome position (GRCh38, 1-based): chr10:121,487,984, G>A on the plus strand (C>T on the coding strand, the complement: FGFR2 is on the minus strand). VCF-style: chr10-121487984-G-A. GRCh37 (hg19) VCF-style: chr10-123247498-G-A.
Other names: c.1650+7C>T (NM_001144914.1); c.1635+7C>T (NM_001144918.2, NM_001441091.1); c.1641+7C>T (NM_001441090.1, NM_001144916.2); c.1713+7C>T (NM_001441089.1); c.1719+7C>T (NM_023029.3, NM_001144915.2); c.1716+7C>T (NM_001441088.1); c.1638+7C>T (NM_001144917.2); c.1980+7C>T (NM_001320658.2); and 4 more.
Identifiers: ClinVar variation 383647 (VCV000383647.22), dbSNP rs199697707, ClinGen allele CA5720602.

ClinVar aggregate classification (germline): Benign/Likely benign. Review status: criteria provided, multiple submitters, no conflicts (2 of 4 stars). 7 submissions from 7 submitters: Benign (2); Likely benign (4). 1 of the submissions does not count toward it. Last evaluated 2026-01-30.

Conditions:
Jackson-Weiss syndrome (JWS). Also called: CRANIOSYNOSTOSIS, MIDFACIAL HYPOPLASIA, AND FOOT ABNORMALITIES. Identifiers: Orphanet 1540, MedGen C0795998, MONDO:0007400, OMIM 123150. Disease mechanism: loss of function.
Acrocephalosyndactyly type I (ACS1). Also called: Acrocephalo-syndactyly type 1; ACS 1; Syndactylic oxycephaly; Apert syndrome. Identifiers: Orphanet 87, MedGen C0001193, MONDO:0007041, OMIM 101200.
Gastric cancer. Also called: Stomach cancer; Malignant tumor of stomach. Identifiers: MedGen C0024623, MeSH D013274, MONDO:0001056, OMIM 613659, HP:0012126.
Bent bone dysplasia syndrome 1 (BBDS1). Also called: FGFR2-related bent bone dysplasia. Identifiers: Orphanet 313855, MedGen C3281247, MONDO:0013815, OMIM 614592.
Beare-Stevenson cutis gyrata syndrome (BSTVS). Identifiers: Orphanet 1555, MedGen C1852406, MONDO:0007412, OMIM 123790.
Saethre-Chotzen syndrome (SCS). Also called: ACROCEPHALY, SKULL ASYMMETRY, AND MILD SYNDACTYLY; ACS III; CHOTZEN SYNDROME. Identifiers: Orphanet 794, MedGen C0175699, MONDO:0007042, OMIM 101400.
Familial scaphocephaly syndrome, McGillivray type. Also called: SCAPHOCEPHALY, MAXILLARY RETRUSION, AND IMPAIRED INTELLECTUAL DEVELOPMENT. Identifiers: Orphanet 168624, MedGen C1865070, MONDO:0012307, OMIM 609579.
Pfeiffer syndrome (ACS5). Also called: ACS V. Identifiers: Orphanet 710, MedGen C0220658, MONDO:0007043, OMIM 101600.
Crouzon syndrome. Also called: Craniofacial dysostosis type 1; Crouzon craniofacial dysostosis; Crouzon disease; CRANIOFACIAL DYSOSTOSIS, TYPE I; Craniofacial dysostosis. Identifiers: Orphanet 207, MedGen C0010273, MeSH D003394, MONDO:0007405, OMIM 123500, HP:0004439.
Antley-Bixler syndrome without genital anomalies or disordered steroidogenesis (ABS2). Also called: Antley-Bixler Syndrome, Autosomal Dominant; MULTISYNOSTOTIC OSTEODYSGENESIS WITH LONG BONE FRACTURES; Trapezoidocephaly synostosis syndrome; Osteodysgenesis, multisynostotic with fractures. Identifiers: Orphanet 596008, Orphanet 83, MedGen C2936791, MONDO:0020667, OMIM 207410.
Levy-Hollister syndrome (LADD). Also called: LADD syndrome. Identifiers: Orphanet 2363, MedGen C0265269, MONDO:0007872.
FGFR2-related disorder. Identifiers: MedGen CN380096.
FGFR2-related craniosynostosis. Identifiers: MedGen CN231480.

Allele frequency attached by ClinVar (database versions not stated): gnomAD 0.00032; ESP Exome Variant Server 0.00038; TOPMed 0.00065; 1000 Genomes Project 30x 0.00078; 1000 Genomes Project 0.00080.
gnomAD v4.1: 232 of 1,613,954 alleles (0.014%); highest among the groups gnomAD compares: African/African-American, 0.14%; no homozygotes.

Submissions (7):

Labcorp Genetics (formerly Invitae), Labcorp
Classification: Benign for FGFR2-related craniosynostosis. Last evaluated: 2026-01-30. Review status: criteria provided, single submitter. Criteria: Invitae Variant Classification Sherloc (09022015). Collection method: clinical testing. Allele origin: germline.

CeGaT Center for Human Genetics Tuebingen
Classification: Likely benign. Last evaluated: 2025-09-01. Review status: criteria provided, single submitter. Criteria: CeGaT Center For Human Genetics Tuebingen Variant Classification Criteria Version 2. Collection method: clinical testing. Allele origin: germline. Affected: yes. Observed: 1 variant allele.
Comment: FGFR2: BP4, BS2

Blueprint Genetics
Classification: Likely benign. Last evaluated: 2024-11-22. Review status: criteria provided, single submitter. Criteria: ACMG Guidelines, 2015. Collection method: clinical testing. Allele origin: germline.

Fulgent Genetics
Classification: Likely benign for Acrocephalosyndactyly type I; Saethre-Chotzen syndrome; Pfeiffer syndrome; Jackson-Weiss syndrome; Crouzon syndrome; Beare-Stevenson cutis gyrata syndrome; LADD syndrome 1; Antley-Bixler syndrome without genital anomalies or disordered steroidogenesis; Familial scaphocephaly syndrome, McGillivray type; Gastric cancer; Bent bone dysplasia syndrome 1. Last evaluated: 2021-09-13. Review status: criteria provided, single submitter. Criteria: ACMG Guidelines, 2015. Collection method: clinical testing. Allele origin: unknown.

Genetic Services Laboratory, University of Chicago
Classification: Benign. Last evaluated: 2017-08-08. Review status: criteria provided, single submitter. Criteria: ACMG Guidelines, 2015. Collection method: clinical testing. Allele origin: germline. Affected: no.

GeneDx
Classification: Likely benign. Last evaluated: 2016-02-01. Review status: criteria provided, single submitter. Criteria: GeneDx Variant Classification (06012015). Collection method: clinical testing. Allele origin: germline. Affected: yes.
Comment: This variant is considered likely benign or benign based on one or more of the following criteria: it is a conservative change, it occurs at a poorly conserved position in the protein, it is predicted to be benign by multiple in silico algorithms, and/or has population frequency not consistent with disease.

PreventionGenetics, part of Exact Sciences
Classification: Likely benign for FGFR2-related condition. Last evaluated: 2019-09-26. Review status: no assertion criteria provided. Collection method: clinical testing. Allele origin: germline. Not counted in ClinVar's aggregate classification.
Comment: This variant is classified as likely benign based on ACMG/AMP sequence variant interpretation guidelines (Richards et al. 2015 PMID: 25741868, with internal and published modifications).